The following is an entry in ClinVar:

NM_001792.5(CDH2):c.2453C>T (p.Pro818Leu)

Genes: CDH2 (cadherin 2; minus strand), CDH2-AS1 (CDH2 antisense RNA 1; plus strand). Cytogenetic location: 18q12.1.
Variant type: single nucleotide variant.
Coding change: c.2453C>T on transcript NM_001792.5 (MANE Select); coding-DNA position 2453, C replaced by T.
Protein change: p.Pro818Leu; replaces proline 818 with leucine.
Molecular consequence: missense variant.
Genome position (GRCh38, 1-based): chr18:27,963,418, G>A on the plus strand (C>T on the coding strand, the complement: CDH2 is on the minus strand). VCF-style: chr18-27963418-G-A. GRCh37 (hg19) VCF-style: chr18-25543382-G-A.
Other names: c.2360C>T, p.Pro787Leu (NM_001308176.2); short protein forms P787L, P818L.
Identifiers: ClinVar variation 1791522 (VCV001791522.2), dbSNP rs200230866, ClinGen allele CA297662256.

ClinVar aggregate classification (germline): Uncertain significance (1 of 4 stars; one submission).

Conditions:
Inborn genetic diseases. Identifiers: MedGen C0950123, MeSH D030342.

Allele frequency attached by ClinVar (database versions not stated): gnomAD exomes below 0.00001; TOPMed below 0.00001; gnomAD 0.00001.
gnomAD v4.1: 2 of 1,613,890 alleles (0.00012%); highest among the groups gnomAD compares: Non-Finnish European, 0.00017%; no homozygotes.

Submission:

Ambry Genetics
Classification: Uncertain significance for Inborn genetic diseases. Last evaluated: 2022-05-30. Review status: criteria provided, single submitter. Criteria: Ambry Variant Classification Scheme 2023. Collection method: clinical testing. Allele origin: germline.
Comment: The p.P818L variant (also known as c.2453C>T), located in coding exon 15 of the CDH2 gene, results from a C to T substitution at nucleotide position 2453. The proline at codon 818 is replaced by leucine, an amino acid with similar properties. This amino acid position is conserved. In addition, this alteration is predicted to be deleterious by in silico analysis. Since supporting evidence is limited at this time, the clinical significance of this alteration remains unclear.